The following is an entry in ClinVar:

NM_000334.4(SCN4A):c.1775C>T (p.Thr592Ile)

Gene: SCN4A (sodium voltage-gated channel alpha subunit 4; minus strand). Cytogenetic location: 17q23.3.
Variant type: single nucleotide variant.
Coding change: c.1775C>T on transcript NM_000334.4 (MANE Select); coding-DNA position 1775, C replaced by T.
Protein change: p.Thr592Ile; replaces threonine 592 with isoleucine.
Molecular consequence: missense variant.
Genome position (GRCh38, 1-based): chr17:63,961,263, G>A on the plus strand (C>T on the coding strand, the complement: SCN4A is on the minus strand). VCF-style: chr17-63961263-G-A. GRCh37 (hg19) VCF-style: chr17-62038623-G-A.
Other names: short protein forms T592I.
Identifiers: ClinVar variation 1362468 (VCV001362468.6), dbSNP rs2144798676, ClinGen allele CA400633021.

ClinVar aggregate classification (germline): Pathogenic (1 of 4 stars; one submission).

Conditions:
Hyperkalemic periodic paralysis. Also called: Familial hyperkalemic periodic paralysis; Gamstorp disease. Identifiers: Orphanet 682, MedGen C0238357, MONDO:0008224, OMIM 170500, HP:0007215.

Submission:

Labcorp Genetics (formerly Invitae), Labcorp
Classification: Pathogenic for Hyperkalemic periodic paralysis. Last evaluated: 2025-09-08. Review status: criteria provided, single submitter. Criteria: Invitae Variant Classification Sherloc (09022015). Collection method: clinical testing. Allele origin: germline.
Comment: This sequence change replaces threonine, which is neutral and polar, with isoleucine, which is neutral and non-polar, at codon 592 of the SCN4A protein (p.Thr592Ile). This variant is not present in population databases (gnomAD no frequency). This missense change has been observed in individuals with autosomal dominant myotonia congenita (PMID: 38427496; internal data). It has also been observed to segregate with disease in related individuals. ClinVar contains an entry for this variant (Variation ID: 1362468). Invitae Evidence Modeling of protein sequence and biophysical properties (such as structural, functional, and spatial information, amino acid conservation, physicochemical variation, residue mobility, and thermodynamic stability) has been performed for this missense variant. However, the output from this modeling did not meet the statistical confidence thresholds required to predict the impact of this variant on SCN4A protein function. Experimental studies have shown that this missense change affects SCN4A function (PMID: 38427496). For these reasons, this variant has been classified as Pathogenic.

Literature cited by the submitters: PubMed 38427496.